The following is an entry in ClinVar:

NM_001034116.2(EIF2B4):c.481A>T (p.Lys161Ter)

Gene: EIF2B4 (eukaryotic translation initiation factor 2B subunit delta; minus strand). Cytogenetic location: 2p23.3.
Variant type: single nucleotide variant.
Coding change: c.481A>T on transcript NM_001034116.2 (MANE Select); coding-DNA position 481, A replaced by T.
Protein change: p.Lys161Ter; replaces lysine 161 with a stop codon.
Molecular consequence: nonsense. On other transcripts: 5 prime UTR variant (2).
Genome position (GRCh38, 1-based): chr2:27,368,671, T>A on the plus strand (A>T on the coding strand, the complement: EIF2B4 is on the minus strand). VCF-style: chr2-27368671-T-A. GRCh37 (hg19) VCF-style: chr2-27591538-T-A.
Other names: c.544A>T, p.Lys182Ter (NM_001318965.2); c.436A>T, p.Lys146Ter (NM_001318966.2); c.388A>T, p.Lys130Ter (NM_001318967.2); c.-105A>T (NM_001318968.2); c.-112A>T (NM_001318969.2); c.478A>T, p.Lys160Ter (NM_015636.4); c.541A>T, p.Lys181Ter (NM_172195.4); short protein forms K130*, K146*, K161*, K181*, K160*, K182*.
Identifiers: ClinVar variation 1387736 (VCV001387736.6), dbSNP rs1380057781, ClinGen allele CA346201315.

ClinVar aggregate classification (germline): Pathogenic (1 of 4 stars; one submission).

Submission:

Labcorp Genetics (formerly Invitae), Labcorp
Classification: Pathogenic. Last evaluated: 2024-10-22. Review status: criteria provided, single submitter. Criteria: Invitae Variant Classification Sherloc (09022015). Collection method: clinical testing. Allele origin: germline.
Comment: This sequence change creates a premature translational stop signal (p.Lys160*) in the EIF2B4 gene. It is expected to result in an absent or disrupted protein product. Loss-of-function variants in EIF2B4 are known to be pathogenic (PMID: 11835386, 15776425, 16807905). This variant is not present in population databases (gnomAD no frequency). This variant has not been reported in the literature in individuals affected with EIF2B4-related conditions. ClinVar contains an entry for this variant (Variation ID: 1387736). For these reasons, this variant has been classified as Pathogenic.

Literature cited by the submitters: PubMed 11835386; PubMed 15776425; PubMed 16807905.